The following is an entry in ClinVar:

NM_172362.3(KCNH1):c.565C>T (p.Gln189Ter)

Gene: KCNH1 (potassium voltage-gated channel subfamily H member 1; minus strand). Cytogenetic location: 1q32.2.
Variant type: single nucleotide variant.
Coding change: c.565C>T on transcript NM_172362.3 (MANE Select); coding-DNA position 565, C replaced by T.
Protein change: p.Gln189Ter; replaces glutamine 189 with a stop codon.
Molecular consequence: nonsense.
Genome position (GRCh38, 1-based): chr1:211,019,250, G>A on the plus strand (C>T on the coding strand, the complement: KCNH1 is on the minus strand). VCF-style: chr1-211019250-G-A. GRCh37 (hg19) VCF-style: chr1-211192592-G-A.
Other names: c.565C>T, p.Gln189Ter (NM_002238.4); short protein forms Q189*.
Identifiers: ClinVar variation 3343612 (VCV003343612.1).
Genomic context (GRCh38, chr1:211,019,250, plus strand): 5'-TGTGAGGGGGAGTCTTTGGTGCCTCTTGCTTGTACTGGGGAAGGATGTCTGAGCCCAGCT[G>A]TAGGACCTGTACAGAAAAACATGACCAAGAGAGAACTAAGTTAGGATTTAATTGCAAGTA-3'

ClinVar aggregate classification (germline): Uncertain significance (1 of 4 stars; one submission).

Submission:

GeneDx
Classification: Uncertain significance. Last evaluated: 2023-07-10. Review status: criteria provided, single submitter. Criteria: GeneDx Variant Classification Process June 2021. Collection method: clinical testing. Allele origin: germline. Affected: yes.
Comment: Not observed at significant frequency in large population cohorts (gnomAD); Has not been previously published as pathogenic or benign to our knowledge; Nonsense variant predicted to result in protein truncation or nonsense mediated decay in a gene for which loss-of-function is not a known mechanism of disease